The following is an entry in ClinVar:

ClinVar aggregate classification (germline): Uncertain significance (1 of 4 stars; one submission).

Conditions:
Neuropathy, hereditary sensory and autonomic, type 2A (HSAN2A). Also called: WNK1-Related HSAN2 (HSAN2A); ACROOSTEOLYSIS, GIACCAI TYPE; ACROOSTEOLYSIS, NEUROGENIC; MORVAN DISEASE; NEUROPATHY, CONGENITAL SENSORY; NEUROPATHY, HEREDITARY SENSORY RADICULAR, AUTOSOMAL RECESSIVE. Identifiers: Orphanet 970, MedGen C2752089, MONDO:0024309, OMIM 201300.
Pseudohypoaldosteronism type 2C (PHA2C). Also called: Pseudohypoaldosteronism Type IIC. Identifiers: Orphanet 757, Orphanet 88940, MedGen C1840391, MONDO:0013778, OMIM 614492.

gnomAD v4.1: 27 of 1,614,078 alleles (0.0017%); highest among the groups gnomAD compares: Non-Finnish European, 0.0023%; no homozygotes.

Submission:

Labcorp Genetics (formerly Invitae), Labcorp
Classification: Uncertain significance for Neuropathy, hereditary sensory and autonomic, type 2A; Pseudohypoaldosteronism type 2C. Last evaluated: 2025-03-03. Review status: criteria provided, single submitter. Criteria: Invitae Variant Classification Sherloc (09022015). Collection method: clinical testing. Allele origin: germline.
Comment: This sequence change replaces lysine, which is basic and polar, with threonine, which is neutral and polar, at codon 2438 of the WNK1 protein (p.Lys2438Thr). This variant is not present in population databases (gnomAD no frequency). This variant has not been reported in the literature in individuals affected with WNK1-related conditions. Invitae Evidence Modeling of protein sequence and biophysical properties (such as structural, functional, and spatial information, amino acid conservation, physicochemical variation, residue mobility, and thermodynamic stability) indicates that this missense variant is not expected to disrupt WNK1 protein function with a negative predictive value of 95%. In summary, the available evidence is currently insufficient to determine the role of this variant in disease. Therefore, it has been classified as a Variant of Uncertain Significance.

NM_018979.4(WNK1):c.6557A>C (p.Lys2186Thr)

Gene: WNK1 (WNK lysine deficient protein kinase 1; plus strand). Cytogenetic location: 12p13.33.
Variant type: single nucleotide variant.
Coding change: c.6557A>C on transcript NM_018979.4 (MANE Select); coding-DNA position 6557, A replaced by C.
Protein change: p.Lys2186Thr; replaces lysine 2186 with threonine.
Molecular consequence: missense variant.
Genome position (GRCh38, 1-based): chr12:900,584, A>C. VCF-style: chr12-900584-A-C. GRCh37 (hg19) VCF-style: chr12-1009750-A-C.
Other names: c.7337A>C, p.Lys2446Thr (NM_001184985.2); c.5813A>C, p.Lys1938Thr (NM_014823.3); c.7313A>C, p.Lys2438Thr (NM_213655.5); short protein forms K1938T, K2186T, K2438T, K2446T.
Identifiers: ClinVar variation 4782498 (VCV004782498.1).